The following is an entry in ClinVar:

ClinVar aggregate classification (germline): Uncertain significance (1 of 4 stars; one submission).

Submission:

GeneDx
Classification: Uncertain significance. Last evaluated: 2019-08-13. Review status: criteria provided, single submitter. Criteria: GeneDx Variant Classification Process June 2021. Collection method: clinical testing. Allele origin: germline. Affected: yes.
Comment: Not observed in large population cohorts (Lek et al., 2016); Frameshift variant predicted to result in protein truncation or nonsense mediated decay in a gene for which loss-of-function is not a known mechanism of disease; Has not been previously published as pathogenic or benign to our knowledge

NM_198252.3(GSN):c.-9-2066_-9-2060del

Gene: GSN (gelsolin; plus strand). Cytogenetic location: 9q33.2.
Variant type: Deletion.
Coding change: c.-9-2066_-9-2060del on transcript NM_198252.3 (MANE Select); 2066 bases into the intron before 9 bases upstream of the start codon through 2060 bases into the intron before 9 bases upstream of the start codon, 7 bases deleted (CGCGCTG; older notation c.-9-2066_-9-2060delCGCGCTG).
Molecular consequence: intron variant. On other transcripts: frameshift variant (1).
Genome position (GRCh38, 1-based): chr9:121,299,897-121,299,903, CGCGCTG deleted; deleting any 7 consecutive bases within chr9:121,299,895-121,299,903 gives the same sequence; the c. name uses the placement nearest the transcript's 3' end. VCF-style (leftmost placement, unchanged base first): chr9-121299894-TTGCGCGC-T. GRCh37 (hg19) VCF-style: chr9-124062172-TTGCGCGC-T.
Other names: c.36_42del, p.Ala13fs (NM_000177.5); c.-9-2066_-9-2060del (NM_001353054.1, NM_001353053.1, NM_001353060.2 and 5 more transcripts); c.-47-159_-47-153del (NM_001353064.2, NM_001353066.2, NM_001353072.2 and 8 more transcripts); c.-1-2074_-1-2068del (NM_001353058.2, NM_001353059.2, NM_001353056.2 and 1 more transcripts); c.-38-168_-38-162del (NM_001353073.2, NM_001353065.2, NM_001353068.2 and 2 more transcripts); c.100-2066_100-2060del (NM_001127663.2); c.-32-174_-32-168del (NM_001353070.2); c.-48-2027_-48-2021del (NM_001353055.2); and 3 more; short protein forms A13fs.
Identifiers: ClinVar variation 632532 (VCV000632532.7), dbSNP rs1564468965, ClinGen allele CA913189398.